The following is an entry in ClinVar:

ClinVar aggregate classification (germline): Uncertain significance (1 of 4 stars; one submission).

Conditions:
Glycogen storage disease due to muscle beta-enolase deficiency (GSD13). Also called: ENOLASE 3 DEFICIENCY; ENOLASE-BETA DEFICIENCY; GSD XIII; Glycogen Storage Disease Type XIII. Identifiers: Orphanet 99849, MedGen C2752027, MONDO:0013046, OMIM 612932.

Allele frequency attached by ClinVar (database versions not stated): ExAC 0.00003.

Submission:

Labcorp Genetics (formerly Invitae), Labcorp
Classification: Uncertain significance for Glycogen storage disease due to muscle beta-enolase deficiency. Last evaluated: 2022-03-28. Review status: criteria provided, single submitter. Criteria: Invitae Variant Classification Sherloc (09022015). Collection method: clinical testing. Allele origin: germline.
Comment: This sequence change replaces alanine, which is neutral and non-polar, with threonine, which is neutral and polar, at codon 186 of the ENO3 protein (p.Ala186Thr). This variant is present in population databases (rs779264075, gnomAD 0.005%). This variant has not been reported in the literature in individuals affected with ENO3-related conditions. Algorithms developed to predict the effect of missense changes on protein structure and function are either unavailable or do not agree on the potential impact of this missense change (SIFT: "Tolerated"; PolyPhen-2: "Probably Damaging"; Align-GVGD: "Class C0"). In summary, the available evidence is currently insufficient to determine the role of this variant in disease. Therefore, it has been classified as a Variant of Uncertain Significance.

NM_053013.4(ENO3):c.556G>A (p.Ala186Thr)

Gene: ENO3 (enolase 3; plus strand). Cytogenetic location: 17p13.2.
Variant type: single nucleotide variant.
Coding change: c.556G>A on transcript NM_053013.4 (MANE Select); coding-DNA position 556, G replaced by A.
Protein change: p.Ala186Thr; replaces alanine 186 with threonine.
Molecular consequence: missense variant.
Genome position (GRCh38, 1-based): chr17:4,955,186, G>A. VCF-style: chr17-4955186-G-A. GRCh37 (hg19) VCF-style: chr17-4858481-G-A.
Other names: c.427G>A, p.Ala143Thr (NM_001193503.2); c.556G>A, p.Ala186Thr (NM_001374523.1, NM_001976.5); c.583G>A, p.Ala195Thr (NM_001374524.1); short protein forms A143T, A186T, A195T.
Identifiers: ClinVar variation 2189579 (VCV002189579.1), dbSNP rs779264075, ClinGen allele CA8316349.
Genomic context (GRCh38, chr17:4,955,186, plus strand): 5'-CAGGAGTTCATGATTCTGCCTGTGGGAGCCAGCTCCTTCAAGGAAGCCATGCGCATTGGC[G>A]CCGAGGTCTACCACCACCTCAAGGGGGTCATCAAGGCCAAGTATGGGAAGGATGCCACCA-3'
Protein context (NP_443739.3, residues 176-196): SSFKEAMRIG[Ala186Thr]EVYHHLKGVI